The following is an entry in ClinVar:

NM_000038.6(APC):c.5369G>A (p.Arg1790Lys)

Gene: APC (APC regulator of Wnt signaling pathway; plus strand). Cytogenetic location: 5q22.2.
Variant type: single nucleotide variant.
Coding change: c.5369G>A on transcript NM_000038.6 (MANE Select); coding-DNA position 5369, G replaced by A.
Protein change: p.Arg1790Lys; replaces arginine 1790 with lysine.
Molecular consequence: missense variant.
Genome position (GRCh38, 1-based): chr5:112,840,963, G>A. VCF-style: chr5-112840963-G-A. GRCh37 (hg19) VCF-style: chr5-112176660-G-A.
Other names: c.5369G>A, p.Arg1790Lys (NM_001127510.3, NM_001354895.2); c.5315G>A, p.Arg1772Lys (NM_001127511.3); c.5423G>A, p.Arg1808Lys (NM_001354896.2); c.5399G>A, p.Arg1800Lys (NM_001354897.2); c.5294G>A, p.Arg1765Lys (NM_001354898.2); c.5285G>A, p.Arg1762Lys (NM_001354899.2); c.5246G>A, p.Arg1749Lys (NM_001354900.2); c.5192G>A, p.Arg1731Lys (NM_001354901.2); and 5 more; short protein forms R1790K, R1772K, R1507K, R1699K, R1731K, R1762K, R1800K, R1808K.
Identifiers: ClinVar variation 482389 (VCV000482389.18), dbSNP rs1158503665, ClinGen allele CA16033063.

ClinVar aggregate classification (germline): Uncertain significance. Review status: criteria provided, multiple submitters, no conflicts (2 of 4 stars). 3 submissions from 3 submitters: Uncertain significance (3). Last evaluated 2025-08-28.

Conditions:
Hereditary cancer-predisposing syndrome. Also called: Neoplastic Syndromes, Hereditary; Tumor predisposition; Hereditary Cancer Syndrome; Hereditary neoplastic syndrome. Identifiers: Orphanet 140162, MedGen C0027672, MeSH D009386, MONDO:0015356.
Familial adenomatous polyposis 1 (FAP1). Also called: FAMILIAL ADENOMATOUS POLYPOSIS 1, ATTENUATED; POLYPOSIS, ADENOMATOUS INTESTINAL. Identifiers: MedGen C2713442, MONDO:0021056, OMIM 175100. Disease mechanism: loss of function.

Submissions (3):

Labcorp Genetics (formerly Invitae), Labcorp
Classification: Uncertain significance for Familial adenomatous polyposis 1. Last evaluated: 2025-08-28. Review status: criteria provided, single submitter. Criteria: Invitae Variant Classification Sherloc (09022015). Collection method: clinical testing. Allele origin: germline.
Comment: This sequence change replaces arginine, which is basic and polar, with lysine, which is basic and polar, at codon 1790 of the APC protein (p.Arg1790Lys). This variant is not present in population databases (gnomAD no frequency). This variant has not been reported in the literature in individuals affected with APC-related conditions. ClinVar contains an entry for this variant (Variation ID: 482389). Invitae Evidence Modeling of protein sequence and biophysical properties (such as structural, functional, and spatial information, amino acid conservation, physicochemical variation, residue mobility, and thermodynamic stability) indicates that this missense variant is not expected to disrupt APC protein function with a negative predictive value of 95%. In summary, the available evidence is currently insufficient to determine the role of this variant in disease. Therefore, it has been classified as a Variant of Uncertain Significance.

Ambry Genetics
Classification: Uncertain significance for Hereditary cancer-predisposing syndrome. Last evaluated: 2025-04-13. Review status: criteria provided, single submitter. Criteria: Ambry Variant Classification Scheme 2023. Collection method: clinical testing. Allele origin: germline.
Comment: The p.R1790K variant (also known as c.5369G>A), located in coding exon 15 of the APC gene, results from a G to A substitution at nucleotide position 5369. The arginine at codon 1790 is replaced by lysine, an amino acid with highly similar properties. This amino acid position is well conserved in available vertebrate species. In addition, in silico predictors for this gene do not accurately predict pathogenicity. Since supporting evidence is limited at this time, the clinical significance of this alteration remains unclear.

GeneDx
Classification: Uncertain significance. Last evaluated: 2023-02-24. Review status: criteria provided, single submitter. Criteria: GeneDx Variant Classification Process June 2021. Collection method: clinical testing. Allele origin: germline. Affected: yes.
Comment: Not observed at significant frequency in large population cohorts (gnomAD); In silico analysis supports that this missense variant does not alter protein structure/function; Has not been previously published as pathogenic or benign to our knowledge; This variant is associated with the following publications: (PMID: 18199528)